The following is an entry in ClinVar:

NM_018923.3(PCDHGB2):c.319G>A (p.Asp107Asn)

Genes: PCDHG@ (protocadherin gamma cluster; plus strand), PCDHGA1 (protocadherin gamma subfamily A, 1; plus strand), PCDHGA2 (protocadherin gamma subfamily A, 2; plus strand), PCDHGA3 (protocadherin gamma subfamily A, 3; plus strand), PCDHGA4 (protocadherin gamma subfamily A, 4; plus strand) and 2 more. Cytogenetic location: 5q31.3.
Variant type: single nucleotide variant.
Coding change: c.319G>A on transcript NM_018923.3 (MANE Select); coding-DNA position 319, G replaced by A.
Protein change: p.Asp107Asn; replaces aspartic acid 107 with asparagine.
Molecular consequence: missense variant. On other transcripts: intron variant (5).
Genome position (GRCh38, 1-based): chr5:141,360,454, G>A. VCF-style: chr5-141360454-G-A. GRCh37 (hg19) VCF-style: chr5-140740021-G-A.
Other names: c.319G>A, p.Asp107Asn (NM_032096.1); c.2421+27349G>A (NM_018912.3); c.2424+19059G>A (NM_018915.4); c.2424+13997G>A (NM_018916.4); c.2409+7785G>A (NM_018922.3); c.2514+2833G>A (NM_018917.4); short protein forms D107N.
Identifiers: ClinVar variation 2655845 (VCV002655845.24), dbSNP rs150944400, ClinGen allele CA3469461.

ClinVar aggregate classification (germline): Likely benign (1 of 4 stars; one submission).

Allele frequency attached by ClinVar (database versions not stated): gnomAD exomes 0.00031; ExAC 0.00081; 1000 Genomes Project 30x 0.00219; 1000 Genomes Project 0.00220; gnomAD 0.00233; ESP Exome Variant Server 0.00286; TOPMed 0.00286.
gnomAD v4.1: 804 of 1,613,904 alleles (0.05%); highest among the groups gnomAD compares: African/African-American, 0.87%; 3 homozygotes.

Submission:

CeGaT Center for Human Genetics Tuebingen
Classification: Likely benign. Last evaluated: 2023-03-01. Review status: criteria provided, single submitter. Criteria: CeGaT Center For Human Genetics Tuebingen Variant Classification Criteria Version 2. Collection method: clinical testing. Allele origin: germline. Affected: yes. Observed: 1 variant allele.
Comment: PCDHGB2: BP4, BS2